The following is an entry in ClinVar:

NM_000051.4(ATM):c.2124+6A>T

Gene: ATM (ATM serine/threonine kinase; plus strand). Cytogenetic location: 11q22.3.
Variant type: single nucleotide variant.
Coding change: c.2124+6A>T on transcript NM_000051.4 (MANE Select); 6 bases into the intron after coding-DNA position 2124, A replaced by T.
Molecular consequence: intron variant.
Genome position (GRCh38, 1-based): chr11:108,254,045, A>T. VCF-style: chr11-108254045-A-T. GRCh37 (hg19) VCF-style: chr11-108124772-A-T.
Other names: c.2124+6A>T (NM_001351834.2).
Identifiers: ClinVar variation 385333 (VCV000385333.15), dbSNP rs550998406, ClinGen allele CA6264935.

ClinVar aggregate classification (germline): Conflicting classifications of pathogenicity. Review status: criteria provided, conflicting classifications (1 of 4 stars). 5 submissions from 5 submitters: Uncertain significance (2); Likely benign (3). Last evaluated 2025-12-14.

Conditions:
Hereditary cancer-predisposing syndrome. Also called: Neoplastic Syndromes, Hereditary; Hereditary neoplastic syndrome; Tumor predisposition; Hereditary Cancer Syndrome. Identifiers: Orphanet 140162, MedGen C0027672, MeSH D009386, MONDO:0015356.
Familial cancer of breast. Also called: BREAST CANCER, FAMILIAL; hereditary breast carcinoma; Hereditary breast cancer. Identifiers: Orphanet 227535, MedGen C0346153, MONDO:0016419, OMIM 114480. Disease mechanism: loss of function.
Ataxia-telangiectasia syndrome (AT). Also called: AT, COMPLEMENTATION GROUP C; ATAXIA-TELANGIECTASIA, COMPLEMENTATION GROUP A; ATAXIA-TELANGIECTASIA, FRESNO VARIANT; LOUIS-BAR SYNDROME; Ataxia-telangiectasia; Cerebello-oculocutaneous telangiectasia. Identifiers: Orphanet 100, MedGen C0004135, MONDO:0008840, OMIM 208900.

Allele frequency attached by ClinVar (database versions not stated): gnomAD exomes below 0.00001; gnomAD 0.00001; TOPMed 0.00002.
gnomAD v4.1: 4 of 1,612,186 alleles (0.00025%); highest among the groups gnomAD compares: African/African-American, 0.004%; no homozygotes.

Submissions (5):

Labcorp Genetics (formerly Invitae), Labcorp
Classification: Uncertain significance for Ataxia-telangiectasia syndrome. Last evaluated: 2025-12-14. Review status: criteria provided, single submitter. Criteria: Invitae Variant Classification Sherloc (09022015). Collection method: clinical testing. Allele origin: germline.
Comment: This sequence change falls in intron 13 of the ATM gene. It does not directly change the encoded amino acid sequence of the ATM protein. It affects a nucleotide within the consensus splice site. This variant is present in population databases (rs550998406, gnomAD 0.007%). This variant has not been reported in the literature in individuals affected with ATM-related conditions. ClinVar contains an entry for this variant (Variation ID: 385333). Variants that disrupt the consensus splice site are a relatively common cause of aberrant splicing (PMID: 17576681, 9536098). Algorithms developed to predict the effect of sequence changes on RNA splicing suggest that this variant is not likely to affect RNA splicing. In summary, the available evidence is currently insufficient to determine the role of this variant in disease. Therefore, it has been classified as a Variant of Uncertain Significance.

Myriad Genetics, Inc.
Classification: Likely benign for Familial cancer of breast. Last evaluated: 2024-05-07. Review status: criteria provided, single submitter. Criteria: Myriad Autosomal Dominant, Autosomal Recessive and X-Linked Classification Criteria (2023). Collection method: clinical testing. Allele origin: unknown.
Comment: This variant is considered likely benign. This variant is intronic and is not expected to impact mRNA splicing.

Sema4
Classification: Uncertain significance for Hereditary cancer-predisposing syndrome. Last evaluated: 2021-12-28. Review status: criteria provided, single submitter. Criteria: Sema4 Curation Guidelines. Collection method: curation. Allele origin: germline.
Comment: To the best of our knowledge, the ATM, c.2124+6A>T variant has not been reported in individuals with ATM-related disease. It was observed in 1/15554 chromosomes of the African/African American subpopulation in the large and broad cohorts of the Genome Aggregation Database (PMID: 32461654). The variant has been reported in ClinVar database (Variation ID 385333). In silico tools suggest the variant not to have a significant impact on splicing though these predictions have not been confirmed by functional studies. The evidence is insufficient to meet ACMG/AMP criteria for classifying the variant as benign or pathogenic. Thus, the clinical significance of this variant is currently uncertain.

Color Diagnostics, LLC DBA Color Health
Classification: Likely benign for Hereditary cancer-predisposing syndrome. Last evaluated: 2019-11-01. Review status: criteria provided, single submitter. Criteria: ACMG Guidelines, 2015. Collection method: clinical testing. Allele origin: germline.

GeneDx
Classification: Likely benign. Last evaluated: 2016-04-04. Review status: criteria provided, single submitter. Criteria: GeneDx Variant Classification (06012015). Collection method: clinical testing. Allele origin: germline. Affected: yes.
Comment: This variant is considered likely benign or benign based on one or more of the following criteria: it is a conservative change, it occurs at a poorly conserved position in the protein, it is predicted to be benign by multiple in silico algorithms, and/or has population frequency not consistent with disease.

Literature cited by the submitters: PubMed 17576681 (cited by Labcorp Genetics (formerly Invitae), Labcorp); PubMed 9536098 (cited by Labcorp Genetics (formerly Invitae), Labcorp).